The following is an entry in ClinVar:

NM_004984.4(KIF5A):c.3085A>G (p.Thr1029Ala)

Gene: KIF5A (kinesin family member 5A; plus strand). Cytogenetic location: 12q13.3.
Variant type: single nucleotide variant.
Coding change: c.3085A>G on transcript NM_004984.4 (MANE Select); coding-DNA position 3085, A replaced by G.
Protein change: p.Thr1029Ala; replaces threonine 1029 with alanine.
Molecular consequence: missense variant.
Genome position (GRCh38, 1-based): chr12:57,583,165, A>G. VCF-style: chr12-57583165-A-G. GRCh37 (hg19) VCF-style: chr12-57976948-A-G.
Other names: c.2818A>G, p.Thr940Ala (NM_001354705.2); short protein forms T1029A, T940A.
Identifiers: ClinVar variation 1404819 (VCV001404819.6), dbSNP rs1276293459, ClinGen allele CA385517680.

ClinVar aggregate classification (germline): Uncertain significance (1 of 4 stars; one submission).

Conditions:
Spastic paraplegia. Identifiers: MedGen C0037772, HP:0001258.

Allele frequency attached by ClinVar (database versions not stated): TOPMed below 0.00001; gnomAD 0.00001.
gnomAD v4.1: 1 of 1,613,676 alleles (0.000062%); highest among the groups gnomAD compares: Non-Finnish European, 0.000085%; no homozygotes.

Submission:

Labcorp Genetics (formerly Invitae), Labcorp
Classification: Uncertain significance for Spastic paraplegia. Last evaluated: 2021-09-03. Review status: criteria provided, single submitter. Criteria: Invitae Variant Classification Sherloc (09022015). Collection method: clinical testing. Allele origin: germline.
Comment: Advanced modeling of protein sequence and biophysical properties (such as structural, functional, and spatial information, amino acid conservation, physicochemical variation, residue mobility, and thermodynamic stability) performed at Invitae indicates that this missense variant is not expected to disrupt KIF5A protein function. In summary, the available evidence is currently insufficient to determine the role of this variant in disease. Therefore, it has been classified as a Variant of Uncertain Significance. This variant has not been reported in the literature in individuals affected with KIF5A-related conditions. This sequence change replaces threonine with alanine at codon 1029 of the KIF5A protein (p.Thr1029Ala). The threonine residue is moderately conserved and there is a small physicochemical difference between threonine and alanine. This variant is not present in population databases (ExAC no frequency).